The following is an entry in ClinVar:

NM_001042492.3(NF1):c.7245A>G (p.Thr2415=)

Gene: NF1 (neurofibromin 1; plus strand). Cytogenetic location: 17q11.2.
Variant type: single nucleotide variant.
Coding change: c.7245A>G on transcript NM_001042492.3 (MANE Select); coding-DNA position 7245, A replaced by G.
Protein change: p.Thr2415=; no amino-acid change (threonine 2415 retained).
Molecular consequence: synonymous variant.
Genome position (GRCh38, 1-based): chr17:31,349,175, A>G. VCF-style: chr17-31349175-A-G. GRCh37 (hg19) VCF-style: chr17-29676193-A-G.
Other names: c.7182A>G, p.Thr2394= (NM_000267.4).
Identifiers: ClinVar variation 232187 (VCV000232187.23), dbSNP rs539553128, ClinGen allele CA8487531.
Genomic context (GRCh38, chr17:31,349,175, plus strand): 5'-TGTAGGGTACAGGCATCCTTCACCTGCTATTGTTGCAAGAACAGTCAGAATTTTACATAC[A>G]CTACTAACTCTGGTTAACAAACACAGAAATTGTGACAAATTTGAAGTGAATACACAGAGC-3'
Protein context (NP_001035957.1, residues 2405-2425): IVARTVRILH[Thr2415=]LLTLVNKHRN

ClinVar aggregate classification (germline): Benign/Likely benign. Review status: criteria provided, multiple submitters, no conflicts (2 of 4 stars). 6 submissions from 6 submitters: Benign (1); Likely benign (4). 1 of the submissions does not count toward it. Last evaluated 2026-05-21.

Conditions:
NF1-related disorder. Also called: NF1-related condition. Identifiers: MedGen CN379171.
Hereditary cancer-predisposing syndrome. Also called: Neoplastic Syndromes, Hereditary; Hereditary Cancer Syndrome; Tumor predisposition; Hereditary neoplastic syndrome. Identifiers: Orphanet 140162, MedGen C0027672, MeSH D009386, MONDO:0015356.
Neurofibromatosis, type 1 (NF1). Also called: VON RECKLINGHAUSEN DISEASE; Peripheral type neurofibromatosis; NEUROFIBROMATOSIS, TYPE I, SOMATIC; Neurofibromatosis, type I. Identifiers: Orphanet 636, MedGen C0027831, MONDO:0018975, OMIM 162200. Disease mechanism: loss of function.

Allele frequency attached by ClinVar (database versions not stated): gnomAD exomes below 0.00001 and 0.00002; ExAC 0.00002; TOPMed 0.00003; gnomAD 0.00005; 1000 Genomes Project 30x 0.00016; 1000 Genomes Project 0.00020.
gnomAD v4.1: 11 of 1,612,804 alleles (0.00068%); highest among the groups gnomAD compares: Middle Eastern, 0.017%; no homozygotes.

Submissions (6):

Myriad Genetics, Inc.
Classification: Benign for Neurofibromatosis, type 1. Last evaluated: 2026-05-21. Review status: criteria provided, single submitter. Criteria: Myriad Autosomal Dominant, Autosomal Recessive and X-Linked Classification Criteria (2023). Collection method: clinical testing. Allele origin: unknown.
Comment: This variant is considered benign. This variant is a silent/synonymous amino acid change and it is not expected to impact splicing.

Labcorp Genetics (formerly Invitae), Labcorp
Classification: Likely benign for Neurofibromatosis, type 1. Last evaluated: 2025-12-01. Review status: criteria provided, single submitter. Criteria: Invitae Variant Classification Sherloc (09022015). Collection method: clinical testing. Allele origin: germline.

CeGaT Center for Human Genetics Tuebingen
Classification: Likely benign. Last evaluated: 2025-07-01. Review status: criteria provided, single submitter. Criteria: CeGaT Center For Human Genetics Tuebingen Variant Classification Criteria Version 2. Collection method: clinical testing. Allele origin: germline. Affected: yes. Observed: 1 variant allele.
Comment: NF1: BP4, BP7

Genome-Nilou Lab
Classification: Likely benign for Neurofibromatosis, type 1. Last evaluated: 2022-03-15. Review status: criteria provided, single submitter. Criteria: ACMG Guidelines, 2015. Collection method: clinical testing. Allele origin: germline. Affected: no.

Ambry Genetics
Classification: Likely benign for Hereditary cancer-predisposing syndrome. Last evaluated: 2015-06-04. Review status: criteria provided, single submitter. Criteria: Ambry Autosomal Dominant and X-Linked criteria (10/2015). Collection method: clinical testing. Allele origin: germline. Observed: 1 variant allele.
Comment: Synonymous alterations with insufficient evidence to classify as benign

PreventionGenetics, part of Exact Sciences
Classification: Likely benign for NF1-related condition. Last evaluated: 2022-01-17. Review status: no assertion criteria provided. Collection method: clinical testing. Allele origin: germline. Not counted in ClinVar's aggregate classification.
Comment: This variant is classified as likely benign based on ACMG/AMP sequence variant interpretation guidelines (Richards et al. 2015 PMID: 25741868, with internal and published modifications).